The following is an entry in ClinVar:

ClinVar aggregate classification (germline): Uncertain significance (1 of 4 stars; one submission).

Conditions:
Alstrom syndrome (ALMS). Identifiers: Orphanet 64, MedGen C0268425, MONDO:0008763, OMIM 203800.

Submission:

Labcorp Genetics (formerly Invitae), Labcorp
Classification: Uncertain significance for Alstrom syndrome. Last evaluated: 2022-03-02. Review status: criteria provided, single submitter. Criteria: Invitae Variant Classification Sherloc (09022015). Collection method: clinical testing. Allele origin: germline.
Comment: This variant is not present in population databases (gnomAD no frequency). This sequence change replaces serine, which is neutral and polar, with proline, which is neutral and non-polar, at codon 1288 of the ALMS1 protein (p.Ser1288Pro). This variant has not been reported in the literature in individuals affected with ALMS1-related conditions. Experimental studies and prediction algorithms are not available or were not evaluated, and the functional significance of this variant is currently unknown. In summary, the available evidence is currently insufficient to determine the role of this variant in disease. Therefore, it has been classified as a Variant of Uncertain Significance.

NM_001378454.1(ALMS1):c.3859T>C (p.Ser1287Pro)

Gene: ALMS1 (ALMS1 centrosome and basal body associated protein; plus strand). Cytogenetic location: 2p13.1.
Variant type: single nucleotide variant.
Coding change: c.3859T>C on transcript NM_001378454.1 (MANE Select); coding-DNA position 3859, T replaced by C.
Protein change: p.Ser1287Pro; replaces serine 1287 with proline.
Molecular consequence: missense variant.
Genome position (GRCh38, 1-based): chr2:73,450,386, T>C. VCF-style: chr2-73450386-T-C. GRCh37 (hg19) VCF-style: chr2-73677513-T-C.
Other names: c.3862T>C, p.Ser1288Pro (NM_015120.4); short protein forms S1288P, S1287P.
Identifiers: ClinVar variation 2105632 (VCV002105632.4), dbSNP rs2466099647, ClinGen allele CA347276941.